The following is an entry in ClinVar:

ClinVar aggregate classification (germline): Uncertain significance (1 of 4 stars; one submission).

Conditions:
Cardiomyopathy (CMYO). Also called: Cardiomyopathies. Identifiers: Orphanet 167848, MedGen C0878544, MONDO:0004994, HP:0001638. Inheritance: Various modes of inheritance.

Submission:

Color Diagnostics, LLC DBA Color Health
Classification: Uncertain significance for Cardiomyopathy. Last evaluated: 2020-03-10. Review status: criteria provided, single submitter. Criteria: ACMG Guidelines, 2015. Collection method: clinical testing. Allele origin: germline.
Comment: This variant causes a duplication of three nucleotides in intron 89 of the RYR2 gene. To our knowledge, functional studies have not been reported for this variant. This variant has not been reported in individuals affected with cardiovascular disorders in the literature. This variant has not been identified in the general population by the Genome Aggregation Database (gnomAD). The available evidence is insufficient to determine the role of this variant in disease conclusively. Therefore, this variant is classified as a Variant of Uncertain Significance.

NM_001035.3(RYR2):c.11962+4_11962+6dup

Gene: RYR2 (ryanodine receptor 2; plus strand). Cytogenetic location: 1q43.
Variant type: Duplication.
Coding change: c.11962+4_11962+6dup on transcript NM_001035.3 (MANE Select); bases 4 to 6 of the intron after coding-DNA position 11962, 3 bases duplicated (GTT; older notation c.11962+4_11962+6dupGTT).
Molecular consequence: intron variant.
Genome position (GRCh38, 1-based): chr1:237,781,650-237,781,652, GTT duplicated. VCF-style (leftmost placement, unchanged base first): chr1-237781649-A-AGTT. GRCh37 (hg19) VCF-style: chr1-237944949-A-AGTT.
Identifiers: ClinVar variation 923491 (VCV000923491.3), dbSNP rs1695119532, ClinGen allele CA1139656704.
Genomic context (GRCh38, chr1:237,781,649, plus strand): 5'-AAAGAATTAATGGATCTGCAGAAGGATATGGTGGTCATGTTGCTGTCCATGTTAGAAGGT[A>AGTT]GTTTTGATTTATACTTTTAAATTCTCTTTATTATCTTATTTAAAGGATCAGCATGGGCTT-3'